The following is an entry in ClinVar:

NM_199242.3(UNC13D):c.1981A>C (p.Lys661Gln)

Gene: UNC13D (unc-13 homolog D; minus strand). Cytogenetic location: 17q25.1.
Variant type: single nucleotide variant.
Coding change: c.1981A>C on transcript NM_199242.3 (MANE Select); coding-DNA position 1981, A replaced by C.
Protein change: p.Lys661Gln; replaces lysine 661 with glutamine.
Molecular consequence: missense variant.
Genome position (GRCh38, 1-based): chr17:75,834,931, T>G on the plus strand (A>C on the coding strand, the complement: UNC13D is on the minus strand). VCF-style: chr17-75834931-T-G. GRCh37 (hg19) VCF-style: chr17-73831012-T-G.
Other names: short protein forms K661Q.
Identifiers: ClinVar variation 2129365 (VCV002129365.4), dbSNP rs752689932, ClinGen allele CA8772734.

ClinVar aggregate classification (germline): Uncertain significance (1 of 4 stars; one submission).

Conditions:
Familial hemophagocytic lymphohistiocytosis 3 (FHL3). Also called: UNC13D-Related Familial Hemophagocytic Lymphohistiocytosis (UNC13D-fHLH). Identifiers: Orphanet 540, MedGen C1837174, MONDO:0012146, OMIM 608898.

Allele frequency attached by ClinVar (database versions not stated): ExAC 0.00001.

Submission:

Labcorp Genetics (formerly Invitae), Labcorp
Classification: Uncertain significance for Familial hemophagocytic lymphohistiocytosis 3. Last evaluated: 2022-05-27. Review status: criteria provided, single submitter. Criteria: Invitae Variant Classification Sherloc (09022015). Collection method: clinical testing. Allele origin: germline.
Comment: Algorithms developed to predict the effect of missense changes on protein structure and function are either unavailable or do not agree on the potential impact of this missense change (SIFT: "Not Available"; PolyPhen-2: "Probably Damaging"; Align-GVGD: "Not Available"). This variant has not been reported in the literature in individuals affected with UNC13D-related conditions. This variant is present in population databases (rs752689932, gnomAD 0.0009%). This sequence change replaces lysine, which is basic and polar, with glutamine, which is neutral and polar, at codon 661 of the UNC13D protein (p.Lys661Gln). In summary, the available evidence is currently insufficient to determine the role of this variant in disease. Therefore, it has been classified as a Variant of Uncertain Significance.